The following is an entry in ClinVar:

NM_003072.5(SMARCA4):c.2358C>A (p.Thr786=)

Gene: SMARCA4 (SWI/SNF related BAF chromatin remodeling complex subunit ATPase 4; plus strand). Cytogenetic location: 19p13.2.
Variant type: single nucleotide variant.
Coding change: c.2358C>A on transcript NM_003072.5 (MANE Select); coding-DNA position 2358, C replaced by A.
Protein change: p.Thr786=; no amino-acid change (threonine 786 retained).
Molecular consequence: synonymous variant. On other transcripts: non-coding transcript variant (1).
Genome position (GRCh38, 1-based): chr19:11,013,032, C>A. VCF-style: chr19-11013032-C-A. GRCh37 (hg19) VCF-style: chr19-11123708-C-A.
Other names: c.2358C>A, p.Thr786= (NM_001128844.3, NM_001128845.2, NM_001128846.2 and 6 more transcripts).
Identifiers: ClinVar variation 5042106 (VCV005042106.1).
Genomic context (GRCh38, chr19:11,013,032, plus strand): 5'-GTCCCTGTACAACAACAACCTGAACGGCATCCTGGCCGACGAGATGGGCCTGGGGAAGAC[C>A]ATCCAGACCATCGCGCTCATCACGTACCTCATGGAGCACAAACGCATCAATGGGCCCTTC-3'
Protein context (NP_003063.2, residues 776-796): ILADEMGLGK[Thr786=]IQTIALITYL

ClinVar aggregate classification (germline): Benign (1 of 4 stars; one submission).

Conditions:
Rhabdoid tumor predisposition syndrome 2 (RTPS2). Identifiers: Orphanet 231108, Orphanet 69077, MedGen C2750074, MONDO:0013224, OMIM 613325.

Submission:

Myriad Genetics, Inc.
Classification: Benign for Rhabdoid tumor predisposition syndrome 2. Last evaluated: 2026-07-13. Review status: criteria provided, single submitter. Criteria: Myriad Autosomal Dominant, Autosomal Recessive and X-Linked Classification Criteria (2023). Collection method: clinical testing. Allele origin: unknown.
Comment: This variant is considered benign. This variant is a silent/synonymous amino acid change and it is not expected to impact splicing.